The following is an entry in ClinVar:

NM_001846.4(COL4A2):c.1159G>T (p.Gly387Cys)

Gene: COL4A2 (collagen type IV alpha 2 chain; plus strand). Cytogenetic location: 13q34.
Variant type: single nucleotide variant.
Coding change: c.1159G>T on transcript NM_001846.4 (MANE Select); coding-DNA position 1159, G replaced by T.
Protein change: p.Gly387Cys; replaces glycine 387 with cysteine.
Molecular consequence: missense variant.
Genome position (GRCh38, 1-based): chr13:110,449,759, G>T. VCF-style: chr13-110449759-G-T. GRCh37 (hg19) VCF-style: chr13-111102106-G-T.
Other names: short protein forms G387C.
Identifiers: ClinVar variation 2762894 (VCV002762894.3), dbSNP rs2502093518, ClinGen allele CA388734213.
Genomic context (GRCh38, chr13:110,449,759, plus strand): 5'-TTCCCAGGGGCCCAAGGGGAGCCAGGAAGCCAGGGTGAGCCAGGAGACCCGGGCCTCCCA[G>T]GTCCCCCTGGCCTCTCCATCGGAGATGGAGGTAATGTGGCTTCATAATATCAACACCGGA-3'
Protein context (NP_001837.2, residues 377-397): QGEPGDPGLP[Gly387Cys]PPGLSIGDGD

ClinVar aggregate classification (germline): Uncertain significance (1 of 4 stars; one submission).

Submission:

Labcorp Genetics (formerly Invitae), Labcorp
Classification: Uncertain significance. Last evaluated: 2023-06-03. Review status: criteria provided, single submitter. Criteria: Invitae Variant Classification Sherloc (09022015). Collection method: clinical testing. Allele origin: germline.
Comment: This variant is not present in population databases (gnomAD no frequency). This sequence change replaces glycine, which is neutral and non-polar, with cysteine, which is neutral and slightly polar, at codon 387 of the COL4A2 protein (p.Gly387Cys). This variant has not been reported in the literature in individuals affected with COL4A2-related conditions. Advanced modeling of protein sequence and biophysical properties (such as structural, functional, and spatial information, amino acid conservation, physicochemical variation, residue mobility, and thermodynamic stability) has been performed at Invitae for this missense variant, however the output from this modeling did not meet the statistical confidence thresholds required to predict the impact of this variant on COL4A2 protein function. In summary, the available evidence is currently insufficient to determine the role of this variant in disease. Therefore, it has been classified as a Variant of Uncertain Significance.